The following is an entry in ClinVar:

ClinVar aggregate classification (germline): Conflicting classifications of pathogenicity. Review status: criteria provided, conflicting classifications (1 of 4 stars). 2 submissions from 2 submitters: Likely pathogenic (1); Uncertain significance (1). Last evaluated 2025-12-30.

Conditions:
RYR1-related disorder. Also called: RYR1-related condition; RYR1-related disorders. Identifiers: MedGen CN239331.
Central core myopathy (CMYO1A). Also called: Central core disease; Myopathy, central fibrillar; CONGENITAL MYOPATHY 1A, AUTOSOMAL DOMINANT, WITH SUSCEPTIBILITY TO MALIGNANT HYPERTHERMIA. Identifiers: Orphanet 597, MedGen C5830701, MONDO:0007294, OMIM 117000.

Submissions (2):

Labcorp Genetics (formerly Invitae), Labcorp
Classification: Uncertain significance for RYR1-related disorder. Last evaluated: 2025-12-30. Review status: criteria provided, single submitter. Criteria: Invitae Variant Classification Sherloc (09022015). Collection method: clinical testing. Allele origin: germline.
Comment: This sequence change creates a premature translational stop signal (p.Gln5016Argfs*11) in the RYR1 gene. While this is not anticipated to result in nonsense mediated decay, it is expected to disrupt the last 23 amino acid(s) of the RYR1 protein. This variant is not present in population databases (gnomAD no frequency). This premature translational stop signal has been observed in individual(s) with clinical features of autosomal recessive RYR1-related myopathy (internal data). ClinVar contains an entry for this variant (Variation ID: 446415). In summary, the available evidence is currently insufficient to determine the role of this variant in disease. Therefore, it has been classified as a Variant of Uncertain Significance.

MVZ Martinsried, Medicover Genetics
Classification: Likely pathogenic for Central core myopathy. Last evaluated: 2017-07-28. Review status: criteria provided, single submitter. Criteria: ACMG Guidelines, 2015. Collection method: clinical testing. Allele origin: unknown. Affected: yes.

NM_000540.3(RYR1):c.15047_15048del (p.Gln5016fs)

Gene: RYR1 (ryanodine receptor 1; plus strand). Cytogenetic location: 19q13.2.
Variant type: Deletion.
Coding change: c.15047_15048del on transcript NM_000540.3 (MANE Select); coding-DNA positions 15047 to 15048, 2 bases deleted (AA; older notation c.15047_15048delAA).
Protein change: p.Gln5016fs; shifts the reading frame from glutamine 5016.
Molecular consequence: frameshift variant.
Genome position (GRCh38, 1-based): chr19:38,587,350-38,587,351, AA deleted. VCF-style (leftmost placement, unchanged base first): chr19-38587349-CAA-C. GRCh37 (hg19) VCF-style: chr19-39077989-CAA-C.
Other names: c.15047_15048delAA (NM_000540.2); c.15032_15033del, p.Gln5011fs (NM_001042723.2); short protein forms Q5011fs, Q5016fs.
Identifiers: ClinVar variation 446415 (VCV000446415.2), dbSNP rs1555806119, ClinGen allele CA658658810.